The following is an entry in ClinVar:

NM_024298.5(MBOAT7):c.847C>G (p.Pro283Ala)

Gene: MBOAT7 (membrane bound acylglycerophosphatidylinositol O-acyltransferase MBOAT7; minus strand). Cytogenetic location: 19q13.42.
Variant type: single nucleotide variant.
Coding change: c.847C>G on transcript NM_024298.5 (MANE Select); coding-DNA position 847, C replaced by G.
Protein change: p.Pro283Ala; replaces proline 283 with alanine.
Molecular consequence: missense variant.
Genome position (GRCh38, 1-based): chr19:54,180,780, G>C on the plus strand (C>G on the coding strand, the complement: MBOAT7 is on the minus strand). VCF-style: chr19-54180780-G-C. GRCh37 (hg19) VCF-style: chr19-54684497-G-C.
Other names: c.628C>G, p.Pro210Ala (NM_001146056.3, NM_001146083.3); c.847C>G, p.Pro283Ala (NM_001146082.3); short protein forms P210A, P283A.
Identifiers: ClinVar variation 1033621 (VCV001033621.1), dbSNP rs1055465093, ClinGen allele CA407793837.

ClinVar aggregate classification (germline): Uncertain significance (1 of 4 stars; one submission).

Conditions:
Intellectual developmental disorder, autosomal recessive 57. Also called: Intellectual disability, autosomal recessive 57. Identifiers: MedGen C4310673, MONDO:0014962, OMIM 617188.

Submission:

Baylor Genetics
Classification: Uncertain significance for Intellectual developmental disorder, autosomal recessive 57. Last evaluated: 2018-12-06. Review status: criteria provided, single submitter. Criteria: ACMG Guidelines, 2015. Collection method: clinical testing. Allele origin: maternal. Affected: yes.
Comment: This variant was determined to be of uncertain significance according to ACMG Guidelines, 2015 [PMID:25741868].